The following is an entry in ClinVar:

NM_025074.7(FRAS1):c.4580G>A (p.Arg1527Gln)

Gene: FRAS1 (Fraser extracellular matrix complex subunit 1; plus strand). Cytogenetic location: 4q21.21.
Variant type: single nucleotide variant.
Coding change: c.4580G>A on transcript NM_025074.7 (MANE Select); coding-DNA position 4580, G replaced by A.
Protein change: p.Arg1527Gln; replaces arginine 1527 with glutamine.
Molecular consequence: missense variant.
Genome position (GRCh38, 1-based): chr4:78,421,902, G>A. VCF-style: chr4-78421902-G-A. GRCh37 (hg19) VCF-style: chr4-79343056-G-A.
Other names: c.4580G>A, p.Arg1527Gln (NM_001166133.2); short protein forms R1527Q.
Identifiers: ClinVar variation 976637 (VCV000976637.10), dbSNP rs566595838, ClinGen allele CA2977255.

ClinVar aggregate classification (germline): Conflicting classifications of pathogenicity. Review status: criteria provided, conflicting classifications (1 of 4 stars). 4 submissions from 4 submitters: Uncertain significance (3); Likely benign (1). Last evaluated 2024-04-01.

Conditions:
Fraser syndrome 1 (FRASRS1). Also called: CRYPTOPHTHALMOS WITH OTHER MALFORMATIONS. Identifiers: Orphanet 2052, MedGen C4551480, MONDO:0054737, OMIM 219000.

Allele frequency attached by ClinVar (database versions not stated): gnomAD 0.00001 and 0.00006; TOPMed 0.00002; ExAC 0.00022; gnomAD exomes 0.00022.
gnomAD v4.1: 216 of 1,613,718 alleles (0.013%); highest among the groups gnomAD compares: South Asian, 0.2%; 5 homozygotes.

Submissions (4):

Fulgent Genetics
Classification: Uncertain significance for Fraser syndrome 1. Last evaluated: 2024-04-01. Review status: criteria provided, single submitter. Criteria: ACMG Guidelines, 2015. Collection method: clinical testing. Allele origin: germline.

Blueprint Genetics
Classification: Likely benign. Last evaluated: 2023-09-15. Review status: criteria provided, single submitter. Criteria: ACMG Guidelines, 2015. Collection method: clinical testing. Allele origin: germline.

Labcorp Genetics (formerly Invitae), Labcorp
Classification: Uncertain significance. Last evaluated: 2022-01-23. Review status: criteria provided, single submitter. Criteria: Invitae Variant Classification Sherloc (09022015). Collection method: clinical testing. Allele origin: germline.
Comment: This sequence change replaces arginine, which is basic and polar, with glutamine, which is neutral and polar, at codon 1527 of the FRAS1 protein (p.Arg1527Gln). This variant is present in population databases (rs566595838, gnomAD 0.2%). This variant has not been reported in the literature in individuals affected with FRAS1-related conditions. ClinVar contains an entry for this variant (Variation ID: 976637). Algorithms developed to predict the effect of missense changes on protein structure and function output the following: SIFT: "Tolerated"; PolyPhen-2: "Benign"; Align-GVGD: "Class C0". The glutamine amino acid residue is found in multiple mammalian species, which suggests that this missense change does not adversely affect protein function. Algorithms developed to predict the effect of sequence changes on RNA splicing suggest that this variant may create or strengthen a splice site. In summary, the available evidence is currently insufficient to determine the role of this variant in disease. Therefore, it has been classified as a Variant of Uncertain Significance.

Illumina Laboratory Services, Illumina
Classification: Uncertain significance for Fraser syndrome 1. Last evaluated: 2018-01-13. Review status: criteria provided, single submitter. Criteria: ICSL Variant Classification Criteria 13 December 2019. Collection method: clinical testing. Allele origin: germline.